The following is an entry in ClinVar:

NM_000350.3(ABCA4):c.3754_3757dup (p.Thr1253fs)

Genes: ABCA4 (ATP binding cassette subfamily A member 4; minus strand), LOC126805794 (BRD4-independent group 4 enhancer GRCh37_chr1:94502188-94503387; plus strand). Cytogenetic location: 1p22.1.
Variant type: Microsatellite.
Coding change: c.3754_3757dup on transcript NM_000350.3 (MANE Select); coding-DNA positions 3754 to 3757, 4 bases duplicated (GAGA; older notation c.3754_3757dupGAGA).
Protein change: p.Thr1253fs; shifts the reading frame from threonine 1253.
Molecular consequence: frameshift variant.
Genome position (GRCh38, 1-based): chr1:94,037,201-94,037,204, TCTC duplicated on the plus strand (GAGA on the coding strand, the reverse complement: ABCA4 is on the minus strand). VCF-style (leftmost placement, unchanged base first): chr1-94037200-G-GTCTC. GRCh37 (hg19) VCF-style: chr1-94502756-G-GTCTC.
Other names: c.3532_3535dup, p.Thr1179fs (NM_001425324.1); short protein forms T1253fs, T1179fs.
Identifiers: ClinVar variation 4723309 (VCV004723309.1).

ClinVar aggregate classification (germline): Pathogenic (1 of 4 stars; one submission).

Submission:

Labcorp Genetics (formerly Invitae), Labcorp
Classification: Pathogenic. Last evaluated: 2025-07-15. Review status: criteria provided, single submitter. Criteria: Invitae Variant Classification Sherloc (09022015). Collection method: clinical testing. Allele origin: germline.
Comment: This sequence change creates a premature translational stop signal (p.Thr1253Argfs*5) in the ABCA4 gene. It is expected to result in an absent or disrupted protein product. Loss-of-function variants in ABCA4 are known to be pathogenic (PMID: 10958761, 24938718, 25312043, 26780318). This variant is not present in population databases (gnomAD no frequency). This variant has not been reported in the literature in individuals affected with ABCA4-related conditions. For these reasons, this variant has been classified as Pathogenic.

Literature cited by the submitters: PubMed 10958761; PubMed 24938718; PubMed 25312043; PubMed 26780318.